The following is an entry in ClinVar:

NM_005896.4(IDH1):c.820G>A (p.Gly274Ser)

Gene: IDH1 (isocitrate dehydrogenase (NADP(+)) 1; minus strand). Cytogenetic location: 2q34.
Variant type: single nucleotide variant.
Coding change: c.820G>A on transcript NM_005896.4 (MANE Select); coding-DNA position 820, G replaced by A.
Protein change: p.Gly274Ser; replaces glycine 274 with serine.
Molecular consequence: missense variant.
Genome position (GRCh38, 1-based): chr2:208,242,024, C>T on the plus strand (G>A on the coding strand, the complement: IDH1 is on the minus strand). VCF-style: chr2-208242024-C-T. GRCh37 (hg19) VCF-style: chr2-209106748-C-T.
Other names: c.820G>A, p.Gly274Ser (NM_001282386.1, NM_001282387.1); short protein forms G274S.
Identifiers: ClinVar variation 1762472 (VCV001762472.3), dbSNP rs773167891, ClinGen allele CA2078908.

ClinVar aggregate classification (germline): Uncertain significance (1 of 4 stars; one submission).

Allele frequency attached by ClinVar (database versions not stated): gnomAD exomes below 0.00001; ExAC 0.00001; gnomAD 0.00001; TOPMed 0.00001.

Submission:

Ambry Genetics
Classification: Uncertain significance. Last evaluated: 2024-09-02. Review status: criteria provided, single submitter. Criteria: Ambry Variant Classification Scheme 2023. Collection method: clinical testing. Allele origin: germline.
Comment: The p.G274S variant (also known as c.820G>A), located in coding exon 5 of the IDH1 gene, results from a G to A substitution at nucleotide position 820. The glycine at codon 274 is replaced by serine, an amino acid with similar properties. This amino acid position is conserved. In addition, this alteration is predicted to be deleterious by in silico analysis. Since supporting evidence is limited at this time, the clinical significance of this alteration remains unclear.